The following is an entry in ClinVar:

NM_000195.5(HPS1):c.678del (p.Ser227fs)

Gene: HPS1 (HPS1 biogenesis of lysosomal organelles complex 3 subunit 1; minus strand). Cytogenetic location: 10q24.2.
Variant type: Deletion.
Coding change: c.678del on transcript NM_000195.5 (MANE Select); coding-DNA position 678, one base deleted (C; older notation c.678delC).
Protein change: p.Ser227fs; shifts the reading frame from serine 227.
Molecular consequence: frameshift variant. On other transcripts: 5 prime UTR variant (3).
Genome position (GRCh38, 1-based): chr10:98,430,661, G deleted on the plus strand (C on the coding strand, the reverse complement: HPS1 is on the minus strand); the first of 2 consecutive G bases (chr10:98,430,661-98,430,662); deleting either gives the same sequence. VCF-style (leftmost placement, unchanged base first): chr10-98430660-TG-T. GRCh37 (hg19) VCF-style: chr10-100190417-TG-T.
Other names: c.-295del (NM_001322487.2); c.-196del (NM_001322489.2, NM_001311345.2); c.560del, p.Pro187fs (NM_001322490.2, NM_001322492.2); c.678del, p.Ser227fs (NM_001322491.2, NM_182639.4, NM_001322476.2 and 3 more transcripts); c.417del, p.Ser140fs (NM_001322480.2, NM_001322481.2, NM_001322482.2); c.309del, p.Ser104fs (NM_001322483.2, NM_001322484.2, NM_001322485.2); short protein forms P187fs, S104fs, S140fs, S227fs.
Identifiers: ClinVar variation 4817889 (VCV004817889.2).

ClinVar aggregate classification (germline): Pathogenic/Likely pathogenic. Review status: criteria provided, multiple submitters, no conflicts (2 of 4 stars). 2 submissions from 2 submitters: Pathogenic (1); Likely pathogenic (1). Last evaluated 2026-05-24.

Conditions:
Hermansky-Pudlak syndrome 1 (HPS1). Also called: DELTA STORAGE POOL DISEASE. Identifiers: Orphanet 231500, Orphanet 79430, MedGen C2931875, MONDO:0008748, OMIM 203300.
Hermansky-Pudlak syndrome (HPS). Also called: ALBINISM WITH HEMORRHAGIC DIATHESIS AND PIGMENTED RETICULOENDOTHELIAL CELLS. Identifiers: Orphanet 79430, MedGen C0079504, MONDO:0019312.

Submissions (2):

Myriad Genetics, Inc.
Classification: Pathogenic for Hermansky-Pudlak syndrome 1. Last evaluated: 2026-05-24. Review status: criteria provided, single submitter. Criteria: Myriad Autosomal Dominant, Autosomal Recessive and X-Linked Classification Criteria (2023). Collection method: clinical testing. Allele origin: unknown.
Comment: NM_000195.3(HPS1):c.678delC(S227Afs*104) is expected to be pathogenic in the context of Hermansky-Pudlak syndrome, HPS1-related. This variant is predicted to lead to an abnormal or absent protein product due to the creation of a premature termination codon in HPS1, a gene where loss-of-function variants are known to be pathogenic. Please note: this variant was assessed in the context of healthy population screening.

Natera, Inc.
Classification: Likely pathogenic for Hermansky-Pudlak syndrome. Last evaluated: 2025-02-17. Review status: criteria provided, single submitter. Criteria: Natera Variant Classification Schema (03/2026). Collection method: clinical testing. Allele origin: germline.
Comment: The c.678delC variant in HPS1 is a frameshift variant predicted to shift the reading frame beginning at codon 227 and leads to a stop codon 104 codons downstream. This variant is expected to result in nonsense mediated decay, truncation, or a dysfunctional protein product. This variant is rare in the general population with a frequency below the threshold expected for the associated phenotype(s). Given the available evidence, this variant is classified as Likely Pathogenic.